The following is an entry in ClinVar:

ClinVar aggregate classification (germline): Uncertain significance (0 of 4 stars; one submission).

Conditions:
PLXNA4-related disorder. Also called: PLXNA4-related condition.

Submission:

PreventionGenetics, part of Exact Sciences
Classification: Uncertain significance for PLXNA4-related condition. Last evaluated: 2024-08-16. Review status: no assertion criteria provided. Collection method: clinical testing. Allele origin: germline.
Comment: The PLXNA4 c.872A>G variant is predicted to result in the amino acid substitution p.Asn291Ser. To our knowledge, this variant has not been reported in the literature or in a large population database, indicating this variant is rare. At this time, the clinical significance of this variant is uncertain due to the absence of conclusive functional and genetic evidence.

NM_020911.2(PLXNA4):c.872A>G (p.Asn291Ser)

Gene: PLXNA4 (plexin A4; minus strand). Cytogenetic location: 7q32.3.
Variant type: single nucleotide variant.
Coding change: c.872A>G on transcript NM_020911.2 (MANE Select); coding-DNA position 872, A replaced by G.
Protein change: p.Asn291Ser; replaces asparagine 291 with serine.
Molecular consequence: missense variant.
Genome position (GRCh38, 1-based): chr7:132,507,822, T>C on the plus strand (A>G on the coding strand, the complement: PLXNA4 is on the minus strand). VCF-style: chr7-132507822-T-C. GRCh37 (hg19) VCF-style: chr7-132192581-T-C.
Other names: c.872A>G, p.Asn291Ser (NM_001105543.2, NM_001393897.1, NM_181775.4); short protein forms N291S.
Identifiers: ClinVar variation 3344940 (VCV003344940.1).